The following is an entry in ClinVar:

ClinVar aggregate classification (germline): Likely pathogenic. Review status: reviewed by expert panel (3 of 4 stars). 5 submissions from 5 submitters: Likely pathogenic (1). 4 of the submissions do not count toward it. Last evaluated 2026-09-09.

Conditions:
GUCY2D-related recessive retinopathy. Also called: Recessive GUCY2D retinopathy. Identifiers: MedGen CN305603, MONDO:0100453.
Cone-rod dystrophy 6 (CORD6). Also called: Cone dystrophy progressive; RETINAL CONE DYSTROPHY 2. Identifiers: Orphanet 1872, MedGen C1866293, MONDO:0011143, OMIM 601777.
Leber congenital amaurosis 1 (LCA1). Also called: AMAUROSIS CONGENITA OF LEBER I; Congenital absence of the rods and cones; Leber's congenital tapetoretinal degeneration; Leber's congenital tapetoretinal dysplasia; RETINAL BLINDNESS, CONGENITAL. Identifiers: Orphanet 65, MedGen C2931258, MONDO:0008764, OMIM 204000.
Retinal disorder. Also called: Retinopathies; Retinal Diseases; Retinopathy; Retinal disorders. Identifiers: MedGen C0035309, MONDO:0005283, HP:0000488.

Allele frequency attached by ClinVar (database versions not stated): TOPMed 0.00001; gnomAD exomes 0.00002; ExAC 0.00001; gnomAD 0.00001.

Submissions (5):

ClinGen Leber Congenital Amaurosis/early Onset Retinal Dystrophy Variant Curation Expert Panel, ClinGen
Classification: Likely pathogenic for GUCY2D-related recessive retinopathy. Last evaluated: 2026-09-09. Review status: reviewed by expert panel. Criteria: ClinGen LCAeoRD ACMG Specifications GUCY2D V1.0.0. Collection method: curation. Allele origin: germline. Inheritance: Autosomal recessive inheritance.
Comment: NM_000180.4(GUCY2D):c.1996C>T (p.Arg666Trp) is a missense variant that replaces arginine with tryptophan at amino acid p.666. This variant is present in gnomAD v.4.1.1 at a total allele frequency of 0.00001673, with 27 alleles / 1613832 total alleles, which is lower than the ClinGen LCA/eoRD VCEP PM2_Supporting threshold of <0.0004 (PM2_Supporting). This variant has been reported in at least 1 proband with early-onset severe retinal dystrophy who was homozygous for the variant (0.5 points, PMID: 40478561). This variant has also been reported in at least 1 proband with early-onset severe retinal dystrophy who was compound heterozygous with the NM_000180.4 (GUCY2D):c.2945del (p.Gly982ValfsTer39) variant suspected in trans (0.5 points, PMID: 29559409), which was previously classified pathogenic by the ClinGen LCA/eoRD VCEP (1.0 total points, PM3). At least one proband harboring this variant exhibits a phenotype including diagnosis of congenital stationary night blindness (0.5 pts), vision loss in dim light since early infancy (1 pt), normal retinal structure by optical coherence tomography (1 pt), a non-detectable rod isolating electroretinogram (0.5 pts), evidence of cone involvement on ERG (1 pt) and genotyping by exome sequencing that did not provide an alternative explanation for visual impairment (4 pts), which together are highly specific for GUCY2D-related recessive retinopathy (8 total points, PMID: 29559409, PP4_Moderate). The variant exhibited 0% enzymatic activity in a guanylate cyclase assay relative to the wild-type control, which is lower than the ClinGen LCA/eoRD VCEP PS3_Supporting threshold of ≤10% activity, indicating that it triggers a severe defect in protein function (PS3_Supporting, PMID: 33109612). The computational predictor REVEL gives a score of 0.479, which is below the ClinGen LCA/eoRD VCEP threshold of ≥0.644 and does not predict a damaging effect on RetGC-1 protein function. Additionally, the splicing impact predictor SpliceAI gives a score of 0.04, which is below the ClinGen LCA/eoRD VCEP recommended threshold of ≥0.2 and does not strongly predict an impact on splicing. In summary, this variant meets the criteria to be classified as Likely Pathogenic for GUCY2D-related recessive retinopathy based on the ACMG/AMP criteria applied, as specified by the ClinGen LCA/eoRD VCEP: PM2_Supporting, PM3, PP4_Moderate, and PS3_Supporting. (VCEP specifications version 1.0.0).

Genetics Laboratory, Great Ormond Street Hospital NHS Foundation Trust, North Thames Genomic Laboratory Hub
Classification: Likely pathogenic for Retinal disorders. Last evaluated: 2026-05-28. Review status: criteria provided, single submitter. Criteria: ACGS Best Practice Guidelines for Variant Classification in Rare Disease 2024 v1.2. Collection method: clinical testing. Allele origin: germline. Affected: yes. Not counted in ClinVar's aggregate classification.
Comment: PS4_supporting, PM2_moderate, PP3_supporting, PS3_supporting, PM3_moderate

Women's Health and Genetics/Laboratory Corporation of America, LabCorp
Classification: Uncertain significance. Last evaluated: 2023-10-30. Review status: criteria provided, single submitter. Criteria: LabCorp Variant Classification Summary - May 2015. Collection method: clinical testing. Allele origin: germline. Not counted in ClinVar's aggregate classification.
Comment: Variant summary: GUCY2D c.1996C>T (p.Arg666Trp) results in a non-conservative amino acid change located in the protein kinase domain (IPR000719) of the encoded protein sequence. Four of five in-silico tools predict a damaging effect of the variant on protein function. The variant allele was found at a frequency of 1.6e-05 in 251336 control chromosomes (gnomAD). c.1996C>T has been reported in the literature in individuals affected with congenital night blindness (Stunkel_2018) and retinal dystrophy (Patel_2019). These data indicate that the variant may be associated with disease. At least one publication reports experimental evidence evaluating an impact on protein function, however, does not allow convincing conclusions about the variant effect (example: Peshenko_2020). The following publications have been ascertained in the context of this evaluation (PMID: 30653986, 33109612, 29559409). Two submitters have cited clinical-significance assessments for this variant to ClinVar after 2014. All submitters classified the variant as uncertain significance. Based on the evidence outlined above, the variant was classified as VUS-possibly pathogenic.

Labcorp Genetics (formerly Invitae), Labcorp
Classification: Uncertain significance for Leber congenital amaurosis 1; Cone-rod dystrophy 6. Last evaluated: 2022-09-07. Review status: criteria provided, single submitter. Criteria: Invitae Variant Classification Sherloc (09022015). Collection method: clinical testing. Allele origin: germline. Not counted in ClinVar's aggregate classification.
Comment: This sequence change replaces arginine, which is basic and polar, with tryptophan, which is neutral and slightly polar, at codon 666 of the GUCY2D protein (p.Arg666Trp). This variant is present in population databases (rs757387072, gnomAD 0.003%). This missense change has been observed in individuals with clinical features of GUCY2D-related conditions (PMID: 29559409, 30653986). ClinVar contains an entry for this variant (Variation ID: 860894). Algorithms developed to predict the effect of missense changes on protein structure and function (SIFT, PolyPhen-2, Align-GVGD) all suggest that this variant is likely to be disruptive. Experimental studies have shown that this missense change affects GUCY2D function (PMID: 33109612). In summary, the available evidence is currently insufficient to determine the role of this variant in disease. Therefore, it has been classified as a Variant of Uncertain Significance.

GeneDx
Classification: Uncertain significance. Last evaluated: 2019-09-12. Review status: criteria provided, single submitter. Criteria: GeneDx Variant Classification Process June 2021. Collection method: clinical testing. Allele origin: germline. Affected: yes. Not counted in ClinVar's aggregate classification.
Comment: Observed with an additional GUCY2D variant in an individual with congenital night blindness, but it is not known whether the variants occurred on the same (in cis) or on different (in trans) chromosomes (Stunkel et al., 2018); In silico analysis, which includes protein predictors and evolutionary conservation, supports a deleterious effect; This variant is associated with the following publications: (PMID: 29559409, 30653986)

Literature cited by the submitters: PubMed 30653986 (cited by Women's Health and Genetics/Laboratory Corporation of America, LabCorp and Labcorp Genetics (formerly Invitae), Labcorp); PubMed 33109612 (cited by Women's Health and Genetics/Laboratory Corporation of America, LabCorp and Labcorp Genetics (formerly Invitae), Labcorp); PubMed 29559409 (cited by Women's Health and Genetics/Laboratory Corporation of America, LabCorp and Labcorp Genetics (formerly Invitae), Labcorp).

NM_000180.4(GUCY2D):c.1996C>T (p.Arg666Trp)

Gene: GUCY2D (guanylate cyclase 2D, retinal; plus strand). Cytogenetic location: 17p13.1.
Variant type: single nucleotide variant.
Coding change: c.1996C>T on transcript NM_000180.4 (MANE Select); coding-DNA position 1996, C replaced by T.
Protein change: p.Arg666Trp; replaces arginine 666 with tryptophan.
Molecular consequence: missense variant.
Genome position (GRCh38, 1-based): chr17:8,012,489, C>T. VCF-style: chr17-8012489-C-T. GRCh37 (hg19) VCF-style: chr17-7915807-C-T.
Other names: NM_000180.4(GUCY2D):c.1996C>T; p.Arg666Trp; short protein forms R666W.
Identifiers: ClinVar variation 860894 (VCV000860894.11), dbSNP rs757387072, ClinGen allele CA8365964.